The following is an entry in ClinVar:

NM_000709.4(BCKDHA):c.695_696del (p.Val232fs)

Gene: BCKDHA (branched chain keto acid dehydrogenase E1 subunit alpha; plus strand). Cytogenetic location: 19q13.2.
Variant type: Deletion.
Coding change: c.695_696del on transcript NM_000709.4 (MANE Select); coding-DNA positions 695 to 696, 2 bases deleted (TC; older notation c.695_696delTC).
Protein change: p.Val232fs; shifts the reading frame from valine 232.
Molecular consequence: frameshift variant.
Genome position (GRCh38, 1-based): chr19:41,422,212-41,422,213, TC deleted. VCF-style (leftmost placement, unchanged base first): chr19-41422211-GTC-G. GRCh37 (hg19) VCF-style: chr19-41928116-GTC-G.
Other names: c.695_696del, p.Val232fs (NM_001164783.2); short protein forms V232fs.
Identifiers: ClinVar variation 1726529 (VCV001726529.2), dbSNP rs2513459717, ClinGen allele CA2580097291.

ClinVar aggregate classification (germline): Likely pathogenic (1 of 4 stars; one submission).

Conditions:
Maple syrup urine disease (MSUD). Identifiers: Orphanet 511, MedGen C0024776, MeSH D008375, MONDO:0009563. Disease mechanism: loss of function.

Submission:

Myriad Genetics, Inc.
Classification: Likely pathogenic for Maple syrup urine disease type 1A. Last evaluated: 2021-12-17. Review status: criteria provided, single submitter. Criteria: Myriad Women's Health Autosomal Recessive and X-Linked Classification Criteria (2021). Collection method: clinical testing. Allele origin: unknown.
Comment: NM_000709.3(BCKDHA):c.695_696delTC(V232Dfs*11) is expected to be pathogenic in the context of maple syrup urine disease type Ia. This variant is predicted to lead to an abnormal or absent protein product due to the creation of a premature termination codon in BCKDHA, a gene where loss-of-function variants are known to be pathogenic. Please note: this variant was assessed in the context of healthy population screening.